The following is an entry in ClinVar:

ClinVar aggregate classification (germline): Uncertain significance. Review status: criteria provided, multiple submitters, no conflicts (2 of 4 stars). 2 submissions from 2 submitters: Uncertain significance (2). Last evaluated 2020-10-24.

Conditions:
Regional enteritis. Also called: Enteritis, Granulomatous. Identifiers: MedGen C0678202, MeSH D003424.
Blau syndrome (BLAUS). Also called: GRANULOMATOSIS, FAMILIAL JUVENILE SYSTEMIC; GRANULOMATOSIS, FAMILIAL, BLAU TYPE; GRANULOMATOUS INFLAMMATORY ARTHRITIS, DERMATITIS, AND UVEITIS, FAMILIAL; JABS SYNDROME; ARTHROCUTANEOUVEAL GRANULOMATOSIS. Identifiers: Orphanet 90340, MedGen C5201146, MONDO:0008523, OMIM 186580.

Allele frequency attached by ClinVar (database versions not stated): gnomAD 0.00003; TOPMed 0.00003.
gnomAD v4.1: 13 of 1,613,592 alleles (0.00081%); highest among the groups gnomAD compares: Middle Eastern, 0.016%; no homozygotes.

Submissions (2):

Labcorp Genetics (formerly Invitae), Labcorp
Classification: Uncertain significance for Regional enteritis; Blau syndrome. Last evaluated: 2020-10-24. Review status: criteria provided, single submitter. Criteria: Invitae Variant Classification Sherloc (09022015). Collection method: clinical testing. Allele origin: germline.
Comment: This variant is not present in population databases (ExAC no frequency). This sequence change creates a premature translational stop signal (p.Arg132*) in the NOD2 gene. It is expected to result in an absent or disrupted protein product. This variant has not been reported in the literature in individuals with NOD2-related conditions. In summary, the available evidence is currently insufficient to determine the role of this variant in disease. Therefore, it has been classified as a Variant of Uncertain Significance. The current clinical and genetic evidence is not sufficient to establish whether loss-of-function variants in NOD2 cause disease.

ARUP Laboratories, Molecular Genetics and Genomics, ARUP Laboratories
Classification: Uncertain significance. Last evaluated: 2020-04-20. Review status: criteria provided, single submitter. Criteria: ARUP Molecular Germline Variant Investigation Process. Collection method: clinical testing. Allele origin: germline.

NM_001370466.1(NOD2):c.313C>T (p.Arg105Ter)

Gene: NOD2 (nucleotide binding oligomerization domain containing 2; plus strand). Cytogenetic location: 16q12.1.
Variant type: single nucleotide variant.
Coding change: c.313C>T on transcript NM_001370466.1 (MANE Select); coding-DNA position 313, C replaced by T.
Protein change: p.Arg105Ter; replaces arginine 105 with a stop codon.
Molecular consequence: nonsense. On other transcripts: non-coding transcript variant (1).
Genome position (GRCh38, 1-based): chr16:50,699,808, C>T. VCF-style: chr16-50699808-C-T. GRCh37 (hg19) VCF-style: chr16-50733719-C-T.
Other names: c.313C>T, p.Arg105Ter (NM_001293557.2); c.394C>T, p.Arg132Ter (NM_022162.3); short protein forms R105*, R132*.
Identifiers: ClinVar variation 995705 (VCV000995705.15), dbSNP rs757487598, ClinGen allele CA281250326.